The following is an entry in ClinVar:

NC_000005.9:g.(?_112154653)_(112164679_?)del

Gene: APC (APC regulator of Wnt signaling pathway; plus strand). Cytogenetic location: 5q22.2.
Variant type: Deletion.
Identifiers: ClinVar variation 1458462 (VCV001458462.5).

ClinVar aggregate classification (germline): Pathogenic (1 of 4 stars; one submission).

Conditions:
Familial adenomatous polyposis 1 (FAP1). Also called: POLYPOSIS, ADENOMATOUS INTESTINAL; FAMILIAL ADENOMATOUS POLYPOSIS 1, ATTENUATED. Identifiers: MedGen C2713442, MONDO:0021056, OMIM 175100. Disease mechanism: loss of function.

Submission:

Labcorp Genetics (formerly Invitae), Labcorp
Classification: Pathogenic for Familial adenomatous polyposis 1. Last evaluated: 2023-08-25. Review status: criteria provided, single submitter. Criteria: Invitae Variant Classification Sherloc (09022015). Collection method: clinical testing. Allele origin: germline.
Comment: This variant disrupts a region of the APC protein in which other variant(s) (Deletion Exon 13, also known as Exon 12) have been determined to be pathogenic (PMID: 24599579, 33670833; Invitae). This suggests that this is a clinically significant region of the protein, and that variants that disrupt it are likely to be disease-causing. This variant is also known as Deletion (Exons 9-13). A similar copy number variant has been observed in individual(s) with familial adenomatous polyposis (PMID: 28533537). This variant is a gross deletion of the genomic region encompassing exon(s) 10-14 of the APC gene. This variant would be expected to be in-frame, preserving the integrity of the reading frame. For these reasons, this variant has been classified as Pathogenic.

Literature cited by the submitters: PubMed 24599579; PubMed 33670833; PubMed 28533537.